The following is an entry in ClinVar:

NM_000179.3(MSH6):c.2799dup (p.Asp934Ter)

Gene: MSH6 (mutS homolog 6; plus strand). Cytogenetic location: 2p16.3.
Variant type: Duplication.
Coding change: c.2799dup on transcript NM_000179.3 (MANE Select); coding-DNA position 2799, one base duplicated (T; older notation c.2799dupT).
Protein change: p.Asp934Ter; replaces aspartic acid 934 with a stop codon.
Molecular consequence: nonsense.
Genome position (GRCh38, 1-based): chr2:47,800,782, T duplicated; the last of 3 consecutive T bases (chr2:47,800,780-47,800,782); duplicating any one gives the same sequence. VCF-style (leftmost placement, unchanged base first): chr2-47800779-C-CT. GRCh37 (hg19) VCF-style: chr2-48027918-C-CT.
Other names: c.2409dup, p.Asp804Ter (NM_001281492.2); c.1893dup, p.Asp632Ter (NM_001281493.2, NM_001281494.2); c.2799dupT (NM_000179.2); short protein forms D632*, D934*, D804*.
Identifiers: ClinVar variation 1434789 (VCV001434789.8), dbSNP rs2104424562, ClinGen allele CA2573135016.

ClinVar aggregate classification (germline): Pathogenic. Review status: criteria provided, multiple submitters, no conflicts (2 of 4 stars). 3 submissions from 3 submitters: Pathogenic (3). Last evaluated 2026-01-04.

Conditions:
Hereditary nonpolyposis colorectal neoplasms. Identifiers: MedGen C0009405, MeSH D003123.
Hereditary cancer-predisposing syndrome. Also called: Hereditary Cancer Syndrome; Hereditary neoplastic syndrome; Neoplastic Syndromes, Hereditary; Tumor predisposition. Identifiers: Orphanet 140162, MedGen C0027672, MeSH D009386, MONDO:0015356.
Lynch syndrome 5 (LYNCH5). Also called: Colorectal cancer, hereditary nonpolyposis, type 5; Hereditary non-polyposis colorectal cancer, type 5. Identifiers: Orphanet 144, MedGen C1833477, MONDO:0013710, OMIM 614350. Disease mechanism: loss of function.

Submissions (3):

Labcorp Genetics (formerly Invitae), Labcorp
Classification: Pathogenic for Hereditary nonpolyposis colorectal neoplasms. Last evaluated: 2026-01-04. Review status: criteria provided, single submitter. Criteria: Invitae Variant Classification Sherloc (09022015). Collection method: clinical testing. Allele origin: germline.
Comment: This sequence change creates a premature translational stop signal (p.Asp934*) in the MSH6 gene. It is expected to result in an absent or disrupted protein product. Loss-of-function variants in MSH6 are known to be pathogenic (PMID: 18269114, 24362816). This variant is not present in population databases (gnomAD no frequency). This variant has not been reported in the literature in individuals affected with MSH6-related conditions. ClinVar contains an entry for this variant (Variation ID: 1434789). For these reasons, this variant has been classified as Pathogenic.

Ambry Genetics
Classification: Pathogenic for Hereditary cancer-predisposing syndrome. Last evaluated: 2025-04-01. Review status: criteria provided, single submitter. Criteria: Ambry Variant Classification Scheme 2023. Collection method: clinical testing. Allele origin: germline.
Comment: The c.2799dupT variant, located in coding exon 4 of the MSH6 gene, results from a duplication of T at nucleotide position 2799, causing a translational frameshift with a predicted alternate stop codon (p.D934*). This variant is considered to be rare based on population cohorts in the Genome Aggregation Database (gnomAD). This alteration is expected to result in loss of function by premature protein truncation or nonsense-mediated mRNA decay. As such, this alteration is interpreted as a disease-causing mutation.

Myriad Genetics, Inc.
Classification: Pathogenic for Lynch syndrome 5. Last evaluated: 2023-08-21. Review status: criteria provided, single submitter. Criteria: Myriad Autosomal Dominant, Autosomal Recessive and X-Linked Classification Criteria (2023). Collection method: clinical testing. Allele origin: unknown.
Comment: This variant is considered pathogenic. This variant creates a termination codon and is predicted to result in premature protein truncation.

Literature cited by the submitters: PubMed 18269114 (cited by Labcorp Genetics (formerly Invitae), Labcorp); PubMed 24362816 (cited by Labcorp Genetics (formerly Invitae), Labcorp).